The following is an entry in ClinVar:

ClinVar aggregate classification (germline): Uncertain significance. Review status: criteria provided, multiple submitters, no conflicts (2 of 4 stars). 3 submissions from 3 submitters: Uncertain significance (3). Last evaluated 2025-12-19.

Conditions:
Cardiovascular phenotype. Identifiers: MedGen CN230736.
Catecholaminergic polymorphic ventricular tachycardia 1. Also called: RYR2-Related Catecholaminergic Polymorphic Ventricular Tachycardia; VENTRICULAR TACHYCARDIA, STRESS-INDUCED POLYMORPHIC 1; VENTRICULAR TACHYCARDIA, CATECHOLAMINERGIC POLYMORPHIC, 1, WITH OR WITHOUT ATRIAL DYSFUNCTION AND/OR DILATED CARDIOMYOPATHY. Identifiers: Orphanet 3286, MedGen C1631597, MONDO:0011484, OMIM 604772.

Allele frequency attached by ClinVar (database versions not stated): TOPMed 0.00001.
gnomAD v4.1: 8 of 1,480,976 alleles (0.00054%); highest among the groups gnomAD compares: Non-Finnish European, 0.00064%; no homozygotes.

Submissions (3):

Labcorp Genetics (formerly Invitae), Labcorp
Classification: Uncertain significance for Catecholaminergic polymorphic ventricular tachycardia 1. Last evaluated: 2025-12-19. Review status: criteria provided, single submitter. Criteria: Invitae Variant Classification Sherloc (09022015). Collection method: clinical testing. Allele origin: germline.
Comment: This sequence change replaces serine, which is neutral and polar, with leucine, which is neutral and non-polar, at codon 936 of the RYR2 protein (p.Ser936Leu). This variant is not present in population databases (gnomAD no frequency). This variant has not been reported in the literature in individuals affected with RYR2-related conditions. ClinVar contains an entry for this variant (Variation ID: 1362568). Invitae Evidence Modeling of protein sequence and biophysical properties (such as structural, functional, and spatial information, amino acid conservation, physicochemical variation, residue mobility, and thermodynamic stability) indicates that this missense variant is not expected to disrupt RYR2 protein function with a negative predictive value of 95%. In summary, the available evidence is currently insufficient to determine the role of this variant in disease. Therefore, it has been classified as a Variant of Uncertain Significance.

Ambry Genetics
Classification: Uncertain significance for Cardiovascular phenotype. Last evaluated: 2023-11-21. Review status: criteria provided, single submitter. Criteria: Ambry Variant Classification Scheme 2023. Collection method: clinical testing. Allele origin: germline.
Comment: The p.S936L variant (also known as c.2807C>T), located in coding exon 24 of the RYR2 gene, results from a C to T substitution at nucleotide position 2807. The serine at codon 936 is replaced by leucine, an amino acid with dissimilar properties. This alteration has been reported in a whole exome sequencing cohort (Landstrom AP et al. Circ Arrhythm Electrophysiol, 2017 Apr;10:). This amino acid position is highly conserved in available vertebrate species. In addition, this alteration is predicted to be deleterious by in silico analysis. Since supporting evidence is limited at this time, the clinical significance of this alteration remains unclear.

Blueprint Genetics
Classification: Uncertain significance. Last evaluated: 2023-06-27. Review status: criteria provided, single submitter. Criteria: ACMG Guidelines, 2015. Collection method: clinical testing. Allele origin: germline.

Literature cited by the submitters: PubMed 28404607 (cited by Ambry Genetics).

NM_001035.3(RYR2):c.2807C>T (p.Ser936Leu)

Gene: RYR2 (ryanodine receptor 2; plus strand). Cytogenetic location: 1q43.
Variant type: single nucleotide variant.
Coding change: c.2807C>T on transcript NM_001035.3 (MANE Select); coding-DNA position 2807, C replaced by T.
Protein change: p.Ser936Leu; replaces serine 936 with leucine.
Molecular consequence: missense variant.
Genome position (GRCh38, 1-based): chr1:237,511,776, C>T. VCF-style: chr1-237511776-C-T. GRCh37 (hg19) VCF-style: chr1-237675076-C-T.
Other names: c.2807C>T (NM_001035.2); short protein forms S936L.
Identifiers: ClinVar variation 1362568 (VCV001362568.11), dbSNP rs1295898396, ClinGen allele CA345383495.
Genomic context (GRCh38, chr1:237,511,776, plus strand): 5'-CATGCCTGGTGGAGTTCTCCAAGCTGCCTGAACAGGAGCGCAATTACAACTTACAAATGT[C>T]GCTTGAGACCCTGAAGTGAGTTTCTTAACTTTTTCTATTTTCCAACCTGCCTTCCCTGAA-3'
Protein context (NP_001026.2, residues 926-946): EQERNYNLQM[Ser936Leu]LETLKTLLAL